The following is an entry in ClinVar:

NC_000020.10:g.(?_741650)_(746438_?)dup

Gene: SLC52A3 (solute carrier family 52 member 3; minus strand). Cytogenetic location: 20p13.
Variant type: Duplication.
Identifiers: ClinVar variation 652376 (VCV000652376.1).

ClinVar aggregate classification (germline): Uncertain significance (1 of 4 stars; one submission).

Conditions:
Brown-Vialetto-van Laere syndrome 1. Also called: BROWN-VIALETTO-VAN LAERE SYNDROME 1, MILD; BULBAR PALSY, PROGRESSIVE, WITH SENSORINEURAL DEAFNESS; PONTOBULBAR PALSY WITH DEAFNESS. Identifiers: Orphanet 572550, Orphanet 97229, MedGen C0796274, MONDO:0024537, OMIM 211530.

Submission:

Labcorp Genetics (formerly Invitae), Labcorp
Classification: Uncertain significance for Brown-Vialetto-Van Laere syndrome 1. Last evaluated: 2018-08-21. Review status: criteria provided, single submitter. Criteria: Invitae Variant Classification Sherloc (09022015). Collection method: clinical testing. Allele origin: germline.
Comment: This variant results in a copy number gain of the genomic region encompassing the full coding sequence of the SLC52A3 gene. The boundaries of this event are unknown as they extend beyond the assayed region for this gene and therefore may encompass additional genes. As the precise location of this event is unknown, it may be in tandem or it may be located elsewhere in the genome. This variant has not been reported in the literature in individuals with SLC52A3-related disease. Experimental studies are not available for this variant, and the functional significance of a copy number gain of this gene is currently unknown. In summary, the available evidence is currently insufficient to determine the role of this variant in disease. Therefore, it has been classified as a Variant of Uncertain Significance.